The following is an entry in ClinVar:

NM_003676.4(DEGS1):c.800A>G (p.Asn267Ser)

Gene: DEGS1 (delta 4-desaturase, sphingolipid 1; plus strand). Cytogenetic location: 1q42.11.
Variant type: single nucleotide variant.
Coding change: c.800A>G on transcript NM_003676.4 (MANE Select); coding-DNA position 800, A replaced by G.
Protein change: p.Asn267Ser; replaces asparagine 267 with serine.
Molecular consequence: missense variant.
Genome position (GRCh38, 1-based): chr1:224,190,294, A>G. VCF-style: chr1-224190294-A-G. GRCh37 (hg19) VCF-style: chr1-224377996-A-G.
Other names: c.800A>G, p.Asn267Ser (NM_001321541.2); c.692A>G, p.Asn231Ser (NM_001321542.2); short protein forms N231S, N267S.
Identifiers: ClinVar variation 774806 (VCV000774806.39), dbSNP rs61732863, ClinGen allele CA1413685.

ClinVar aggregate classification (germline): Benign. Review status: criteria provided, multiple submitters, no conflicts (2 of 4 stars). 4 submissions from 4 submitters: Benign (3). 1 of the submissions does not count toward it. Last evaluated 2026-10-01.

Conditions:
DEGS1-related disorder. Also called: DEGS1-related condition.

Allele frequency attached by ClinVar (database versions not stated): 1000 Genomes Project 0.00120; 1000 Genomes Project 30x 0.00125; TOPMed 0.00611; gnomAD 0.00637; ESP Exome Variant Server 0.00815; gnomAD exomes 0.00826 and 0.01031; ExAC 0.00860.

Submissions (4):

CeGaT Center for Human Genetics Tuebingen
Classification: Benign. Last evaluated: 2026-10-01. Review status: criteria provided, single submitter. Criteria: CeGaT Center For Human Genetics Tuebingen Variant Classification Criteria Version 2. Collection method: clinical testing. Allele origin: germline. Affected: yes. Observed: 17 variant alleles.
Comment: DEGS1: BP4, BS1, BS2

Labcorp Genetics (formerly Invitae), Labcorp
Classification: Benign. Last evaluated: 2026-01-26. Review status: criteria provided, single submitter. Criteria: Invitae Variant Classification Sherloc (09022015). Collection method: clinical testing. Allele origin: germline.

Breakthrough Genomics
Classification: Benign. Review status: criteria provided, single submitter. Criteria: ACMG Guidelines, 2015. Collection method: not provided. Allele origin: germline. Inheritance: Autosomal recessive inheritance. Affected: yes.

PreventionGenetics, part of Exact Sciences
Classification: Benign for DEGS1-related condition. Last evaluated: 2019-12-09. Review status: no assertion criteria provided. Collection method: clinical testing. Allele origin: germline. Not counted in ClinVar's aggregate classification.
Comment: This variant is classified as benign based on ACMG/AMP sequence variant interpretation guidelines (Richards et al. 2015 PMID: 25741868, with internal and published modifications).